The following is an entry in ClinVar:

NM_000377.3(WAS):c.916G>A (p.Glu306Lys)

Gene: WAS (WASP actin nucleation promoting factor; plus strand). Cytogenetic location: Xp11.23.
Variant type: single nucleotide variant.
Coding change: c.916G>A on transcript NM_000377.3 (MANE Select); coding-DNA position 916, G replaced by A.
Protein change: p.Glu306Lys; replaces glutamic acid 306 with lysine.
Molecular consequence: missense variant.
Genome position (GRCh38, 1-based): chrX:48,688,438, G>A. VCF-style: chrX-48688438-G-A. GRCh37 (hg19) VCF-style: chrX-48546827-G-A.
Other names: short protein forms E306K.
Identifiers: ClinVar variation 1956514 (VCV001956514.2), dbSNP rs1557007052, ClinGen allele CA412872519.

ClinVar aggregate classification (germline): Uncertain significance (1 of 4 stars; one submission).

Conditions:
X-linked severe congenital neutropenia (SCNX). Identifiers: Orphanet 86788, MedGen C1845987, MONDO:0010294, OMIM 300299.
Thrombocytopenia 1. Also called: THROMBOCYTOPENIA, X-LINKED, 1; X-linked thrombocytopenia with normal platelets; X-Linked Thrombocytopenia (XLT). Identifiers: Orphanet 268322, Orphanet 852, MedGen C1839163, MONDO:0010743, OMIM 313900.
Wiskott-Aldrich syndrome (WAS). Also called: Wiskott-aldrich syndrome, somatic; ALDRICH SYNDROME; IMMUNODEFICIENCY 2; WISKOTT-ALDRICH SYNDROME 1. Identifiers: Orphanet 906, MedGen C0043194, MONDO:0010518, OMIM 301000.

Allele frequency attached by ClinVar (database versions not stated): gnomAD exomes below 0.00001.
gnomAD v4.1: 2 of 1,211,092 alleles (0.00017%); highest among the groups gnomAD compares: South Asian, 0.0018%; no homozygotes.

Submission:

Labcorp Genetics (formerly Invitae), Labcorp
Classification: Uncertain significance for Wiskott-Aldrich syndrome; X-linked severe congenital neutropenia; Thrombocytopenia 1. Last evaluated: 2022-08-15. Review status: criteria provided, single submitter. Criteria: Invitae Variant Classification Sherloc (09022015). Collection method: clinical testing. Allele origin: germline.
Comment: This sequence change replaces glutamic acid, which is acidic and polar, with lysine, which is basic and polar, at codon 306 of the WAS protein (p.Glu306Lys). This variant is present in population databases (no rsID available, gnomAD 0.001%). This variant has not been reported in the literature in individuals affected with WAS-related conditions. Algorithms developed to predict the effect of missense changes on protein structure and function are either unavailable or do not agree on the potential impact of this missense change (SIFT: "Not Available"; PolyPhen-2: "Probably Damaging"; Align-GVGD: "Not Available"). In summary, the available evidence is currently insufficient to determine the role of this variant in disease. Therefore, it has been classified as a Variant of Uncertain Significance.